The following is an entry in ClinVar:

ClinVar aggregate classification (germline): Pathogenic. Review status: criteria provided, multiple submitters, no conflicts (2 of 4 stars). 4 submissions from 4 submitters: Pathogenic (4). Last evaluated 2025-04-13.

Conditions:
Hereditary cancer-predisposing syndrome. Also called: Neoplastic Syndromes, Hereditary; Tumor predisposition; Hereditary Cancer Syndrome; Hereditary neoplastic syndrome. Identifiers: Orphanet 140162, MedGen C0027672, MeSH D009386, MONDO:0015356.
BRCA2-related cancer predisposition. Identifiers: MedGen CN377758, MONDO:0700269.

Submissions (4):

Ambry Genetics
Classification: Pathogenic for Hereditary cancer-predisposing syndrome. Last evaluated: 2025-04-13. Review status: criteria provided, single submitter. Criteria: Ambry Variant Classification Scheme 2023. Collection method: clinical testing. Allele origin: germline.
Comment: The p.S158* pathogenic mutation (also known as c.473C>G), located in coding exon 4 of the BRCA2 gene, results from a C to G substitution at nucleotide position 473. This changes the amino acid from a serine to a stop codon within coding exon 4. In addition to the information presented in the literature, this alteration is expected to result in loss of function by premature protein truncation or nonsense-mediated mRNA decay. As such, this alteration is interpreted as a disease-causing mutation.

All of Us Research Program, National Institutes of Health
Classification: Pathogenic for BRCA2-related cancer predisposition. Last evaluated: 2024-07-29. Review status: criteria provided, single submitter. Criteria: ACMG Guidelines, 2015. Collection method: clinical testing. Allele origin: germline. Inheritance: Autosomal dominant inheritance. Observed: 1 variant allele, 1 heterozygote.
Comment: This variant changes 1 nucleotide in exon 5 of the BRCA2 gene, creating a premature translation stop signal. This variant is expected to result in an absent or non-functional protein product. Splice site prediction tools suggest that this variant may not impact RNA splicing. To our knowledge, functional studies have not been performed for this variant. This variant has been reported in an individual affected with breast cancer (PMID: 27798748). This variant has not been identified in the general population by the Genome Aggregation Database (gnomAD). Loss of BRCA2 function is a known mechanism of disease. Based on the available evidence, this variant is classified as Pathogenic.

This study involves interpretation of variants in research participants for the purpose of population health screening. Participant phenotype was not available at the time of variant classification. Additional details can be found in publication PMID: 35346344, PMCID: PMC8962531

Color Diagnostics, LLC DBA Color Health
Classification: Pathogenic for Hereditary cancer-predisposing syndrome. Last evaluated: 2024-05-08. Review status: criteria provided, single submitter. Criteria: ACMG Guidelines, 2015. Collection method: clinical testing. Allele origin: germline.
Comment: This variant changes 1 nucleotide in exon 5 of the BRCA2 gene, creating a premature translation stop signal. This variant is expected to result in an absent or non-functional protein product. This variant has been reported in an individual affected with breast cancer (PMID: 27798748). This variant has not been identified in the general population by the Genome Aggregation Database (gnomAD). Loss of BRCA2 function is a known mechanism of disease. Based on the available evidence, this variant is classified as Pathogenic.

GeneDx
Classification: Pathogenic. Last evaluated: 2016-12-06. Review status: criteria provided, single submitter. Criteria: GeneDx Variant Classification (06012015). Collection method: clinical testing. Allele origin: germline. Affected: yes.
Comment: This variant is denoted BRCA2 c.473C>G at the cDNA level and p.Ser158Ter (S158X) at the protein level. The substitution creates a nonsense variant, which changes a Serine to a premature stop codon (TCA>TGA), and is predicted to cause loss of normal protein function through either protein truncation or nonsense-mediated mRNA decay. This variant, also known as BRCA2 701C>G using alternate nomenclature, has been reported in association with hereditary breast cancer (Moran 2016) and is considered pathogenic.

Literature cited by the submitters: PubMed 27798748 (cited by 3 submitters).

NM_000059.4(BRCA2):c.473C>G (p.Ser158Ter)

Gene: BRCA2 (BRCA2 DNA repair associated; plus strand). Cytogenetic location: 13q13.1.
Variant type: single nucleotide variant.
Coding change: c.473C>G on transcript NM_000059.4 (MANE Select); coding-DNA position 473, C replaced by G.
Protein change: p.Ser158Ter; replaces serine 158 with a stop codon.
Molecular consequence: nonsense.
Genome position (GRCh38, 1-based): chr13:32,326,148, C>G. VCF-style: chr13-32326148-C-G. GRCh37 (hg19) VCF-style: chr13-32900285-C-G.
Other names: short protein forms S158*.
Identifiers: ClinVar variation 483036 (VCV000483036.14), dbSNP rs80358701, ClinGen allele CA387757253.